The following is an entry in ClinVar:

ClinVar aggregate classification (germline): Uncertain significance (1 of 4 stars; one submission).

Conditions:
Osteogenesis imperfecta type 8 (OI8). Identifiers: MedGen C1970458, MONDO:0012581, OMIM 610915.

Allele frequency attached by ClinVar (database versions not stated): TOPMed 0.00001.

Submission:

Labcorp Genetics (formerly Invitae), Labcorp
Classification: Uncertain significance for Osteogenesis imperfecta type 8. Last evaluated: 2019-11-29. Review status: criteria provided, single submitter. Criteria: Invitae Variant Classification Sherloc (09022015). Collection method: clinical testing. Allele origin: germline.
Comment: In summary, the available evidence is currently insufficient to determine the role of this variant in disease. Therefore, it has been classified as a Variant of Uncertain Significance. Algorithms developed to predict the effect of sequence changes on RNA splicing suggest that this variant may create or strengthen a splice site, but this prediction has not been confirmed by published transcriptional studies. Algorithms developed to predict the effect of missense changes on protein structure and function (SIFT, PolyPhen-2, Align-GVGD) all suggest that this variant is likely to be disruptive, but these predictions have not been confirmed by published functional studies and their clinical significance is uncertain. This variant has not been reported in the literature in individuals with P3H1-related conditions. This variant is not present in population databases (ExAC no frequency). This sequence change replaces arginine with glycine at codon 359 of the P3H1 protein (p.Arg359Gly). The arginine residue is highly conserved and there is a moderate physicochemical difference between arginine and glycine.

NM_022356.4(P3H1):c.1075C>G (p.Arg359Gly)

Gene: P3H1 (prolyl 3-hydroxylase 1; minus strand). Cytogenetic location: 1p34.2.
Variant type: single nucleotide variant.
Coding change: c.1075C>G on transcript NM_022356.4 (MANE Select); coding-DNA position 1075, C replaced by G.
Protein change: p.Arg359Gly; replaces arginine 359 with glycine.
Molecular consequence: missense variant.
Genome position (GRCh38, 1-based): chr1:42,757,788, G>C on the plus strand (C>G on the coding strand, the complement: P3H1 is on the minus strand). VCF-style: chr1-42757788-G-C. GRCh37 (hg19) VCF-style: chr1-43223459-G-C.
Other names: c.1075C>G, p.Arg359Gly (NM_001146289.2, NM_001243246.2); short protein forms R359G.
Identifiers: ClinVar variation 845982 (VCV000845982.8), dbSNP rs548639069, ClinGen allele CA339958736.
Genomic context (GRCh38, chr1:42,757,788, plus strand): 5'-CGCCCTCAGGTCTGAGTTCAGCTGGCAGCTGTCATAACAGAAGGAAGTCTCTCACCTCAC[G>C]GGGGCCGATGGATCTGGTGTGTTCTTCTCCAAGCATAGCTGCATAATAGGCCAAATTTTG-3'
Protein context (NP_071751.3, residues 349-369): GEEHTRSIGP[Arg359Gly]ESAKEYRQRS